The following is an entry in ClinVar:

ClinVar aggregate classification (germline): Uncertain significance. Review status: criteria provided, multiple submitters, no conflicts (2 of 4 stars). 3 submissions from 3 submitters: Uncertain significance (3). Last evaluated 2025-01-01.

Conditions:
Inborn genetic diseases. Identifiers: MedGen C0950123, MeSH D030342.
Thyroid dyshormonogenesis 6 (TDH6). Also called: HYPOTHYROIDISM, CONGENITAL, DUE TO DYSHORMONOGENESIS, 6; THYROID HORMONOGENESIS, GENETIC DEFECT IN, 6; Genetic transient congenital hypothyroidism. Identifiers: Orphanet 226316, Orphanet 95716, MedGen C1846632, MONDO:0011792, OMIM 607200.

Allele frequency attached by ClinVar (database versions not stated): ExAC 0.00007; gnomAD exomes 0.00007; TOPMed 0.00007; 1000 Genomes Project 30x 0.00031; 1000 Genomes Project 0.00040.

Submissions (3):

Labcorp Genetics (formerly Invitae), Labcorp
Classification: Uncertain significance. Last evaluated: 2025-01-01. Review status: criteria provided, single submitter. Criteria: Invitae Variant Classification Sherloc (09022015). Collection method: clinical testing. Allele origin: germline.
Comment: This sequence change replaces arginine, which is basic and polar, with tryptophan, which is neutral and slightly polar, at codon 1304 of the DUOX2 protein (p.Arg1304Trp). This variant is present in population databases (rs534696164, gnomAD 0.03%). This variant has not been reported in the literature in individuals affected with DUOX2-related conditions. ClinVar contains an entry for this variant (Variation ID: 886869). Invitae Evidence Modeling of protein sequence and biophysical properties (such as structural, functional, and spatial information, amino acid conservation, physicochemical variation, residue mobility, and thermodynamic stability) indicates that this missense variant is expected to disrupt DUOX2 protein function with a positive predictive value of 80%. In summary, the available evidence is currently insufficient to determine the role of this variant in disease. Therefore, it has been classified as a Variant of Uncertain Significance.

Ambry Genetics
Classification: Uncertain significance for Inborn genetic diseases. Last evaluated: 2021-06-11. Review status: criteria provided, single submitter. Criteria: Ambry Variant Classification Scheme 2023. Collection method: clinical testing. Allele origin: germline.

Illumina Laboratory Services, Illumina
Classification: Uncertain significance for Thyroid dyshormonogenesis 6. Last evaluated: 2018-01-13. Review status: criteria provided, single submitter. Criteria: ICSL Variant Classification Criteria 13 December 2019. Collection method: clinical testing. Allele origin: germline.

NM_001363711.2(DUOX2):c.3910C>T (p.Arg1304Trp)

Gene: DUOX2 (dual oxidase 2; minus strand). Cytogenetic location: 15q21.1.
Variant type: single nucleotide variant.
Coding change: c.3910C>T on transcript NM_001363711.2 (MANE Select); coding-DNA position 3910, C replaced by T.
Protein change: p.Arg1304Trp; replaces arginine 1304 with tryptophan.
Molecular consequence: missense variant.
Genome position (GRCh38, 1-based): chr15:45,095,998, G>A on the plus strand (C>T on the coding strand, the complement: DUOX2 is on the minus strand). VCF-style: chr15-45095998-G-A. GRCh37 (hg19) VCF-style: chr15-45388196-G-A.
Other names: c.3910C>T, p.Arg1304Trp (NM_014080.5); short protein forms R1304W.
Identifiers: ClinVar variation 886869 (VCV000886869.7), dbSNP rs534696164, ClinGen allele CA7537693.